The following is an entry in ClinVar:

ClinVar aggregate classification (germline): Uncertain significance (1 of 4 stars; one submission).

Submission:

Labcorp Genetics (formerly Invitae), Labcorp
Classification: Uncertain significance. Last evaluated: 2023-02-19. Review status: criteria provided, single submitter. Criteria: Invitae Variant Classification Sherloc (09022015). Collection method: clinical testing. Allele origin: germline.
Comment: In summary, the available evidence is currently insufficient to determine the role of this variant in disease. Therefore, it has been classified as a Variant of Uncertain Significance. Advanced modeling of protein sequence and biophysical properties (such as structural, functional, and spatial information, amino acid conservation, physicochemical variation, residue mobility, and thermodynamic stability) performed at Invitae indicates that this missense variant is not expected to disrupt ACO2 protein function. This variant has not been reported in the literature in individuals affected with ACO2-related conditions. This variant is not present in population databases (gnomAD no frequency). This sequence change replaces glycine, which is neutral and non-polar, with serine, which is neutral and polar, at codon 576 of the ACO2 protein (p.Gly576Ser).

NM_001098.3(ACO2):c.1726G>A (p.Gly576Ser)

Genes: ACO2 (aconitase 2; plus strand), LOC130067544 (ATAC-STARR-seq lymphoblastoid active region 19118; plus strand). Cytogenetic location: 22q13.2.
Variant type: single nucleotide variant.
Coding change: c.1726G>A on transcript NM_001098.3 (MANE Select); coding-DNA position 1726, G replaced by A.
Protein change: p.Gly576Ser; replaces glycine 576 with serine.
Molecular consequence: missense variant.
Genome position (GRCh38, 1-based): chr22:41,525,313, G>A. VCF-style: chr22-41525313-G-A. GRCh37 (hg19) VCF-style: chr22-41921317-G-A.
Other names: short protein forms G576S.
Identifiers: ClinVar variation 2780688 (VCV002780688.3), dbSNP rs2518233349, ClinGen allele CA411727866.
Genomic context (GRCh38, chr22:41,525,313, plus strand): 5'-GTGGACGTGAGCCCCACCAGCCAGCGCCTGCAGCTCCTGGAGCCTTTTGACAAGTGGGAT[G>A]GCAAGGACCTGGAGGACCTGCAGATCCTCATCAAGGTCAGCAGCATGGGGACGGCAGGAC-3'
Protein context (NP_001089.1, residues 566-586): QLLEPFDKWD[Gly576Ser]KDLEDLQILI